The following is an entry in ClinVar:

NM_001083926.2(ASRGL1):c.505G>A (p.Val169Met)

Gene: ASRGL1 (asparaginase and isoaspartyl peptidase 1; plus strand). Cytogenetic location: 11q12.3.
Variant type: single nucleotide variant.
Coding change: c.505G>A on transcript NM_001083926.2 (MANE Select); coding-DNA position 505, G replaced by A.
Protein change: p.Val169Met; replaces valine 169 with methionine.
Molecular consequence: missense variant.
Genome position (GRCh38, 1-based): chr11:62,389,146, G>A. VCF-style: chr11-62389146-G-A. GRCh37 (hg19) VCF-style: chr11-62156618-G-A.
Other names: c.505G>A (NM_001083926.1); c.505G>A, p.Val169Met (NM_025080.4); short protein forms V169M.
Identifiers: ClinVar variation 1442572 (VCV001442572.7), dbSNP rs146044861, ClinGen allele CA6043226.

ClinVar aggregate classification (germline): Uncertain significance. Review status: criteria provided, multiple submitters, no conflicts (2 of 4 stars). 2 submissions from 2 submitters: Uncertain significance (2). Last evaluated 2025-08-22.

Allele frequency attached by ClinVar (database versions not stated): ExAC 0.00002; gnomAD exomes 0.00002 and 0.00003; gnomAD 0.00006; TOPMed 0.00007; 1000 Genomes Project 30x 0.00016; 1000 Genomes Project 0.00020.
gnomAD v4.1: 48 of 1,610,766 alleles (0.003%); highest among the groups gnomAD compares: East Asian, 0.0045%; no homozygotes.

Submissions (2):

Ambry Genetics
Classification: Uncertain significance. Last evaluated: 2025-08-22. Review status: criteria provided, single submitter. Criteria: Ambry Variant Classification Scheme 2023. Collection method: clinical testing. Allele origin: germline.

Labcorp Genetics (formerly Invitae), Labcorp
Classification: Uncertain significance. Last evaluated: 2025-03-17. Review status: criteria provided, single submitter. Criteria: Invitae Variant Classification Sherloc (09022015). Collection method: clinical testing. Allele origin: germline.
Comment: This sequence change replaces valine, which is neutral and non-polar, with methionine, which is neutral and non-polar, at codon 169 of the ASRGL1 protein (p.Val169Met). This variant is present in population databases (rs146044861, gnomAD 0.01%). This variant has not been reported in the literature in individuals affected with ASRGL1-related conditions. ClinVar contains an entry for this variant (Variation ID: 1442572). An algorithm developed to predict the effect of missense changes on protein structure and function (PolyPhen-2) suggests that this variant is likely to be disruptive. In summary, the available evidence is currently insufficient to determine the role of this variant in disease. Therefore, it has been classified as a Variant of Uncertain Significance.